The following is an entry in ClinVar:

ClinVar aggregate classification (germline): Uncertain significance (1 of 4 stars; one submission).

Conditions:
Hyperammonemia, type III (NAGSD). Also called: Hyperammonemia due to N-acetylglutamate synthase deficiency. Identifiers: Orphanet 927, MedGen C0268543, MONDO:0009377, OMIM 237310.

Allele frequency attached by ClinVar (database versions not stated): gnomAD exomes below 0.00001.
gnomAD v4.1: 1 of 1,530,644 alleles (0.000065%); highest among the groups gnomAD compares: Non-Finnish European, 0.000087%; no homozygotes.

Submission:

Labcorp Genetics (formerly Invitae), Labcorp
Classification: Uncertain significance for Hyperammonemia, type III. Last evaluated: 2021-12-07. Review status: criteria provided, single submitter. Criteria: Invitae Variant Classification Sherloc (09022015). Collection method: clinical testing. Allele origin: germline.
Comment: This sequence change replaces valine, which is neutral and non-polar, with leucine, which is neutral and non-polar, at codon 69 of the NAGS protein (p.Val69Leu). This variant is not present in population databases (gnomAD no frequency). This variant has not been reported in the literature in individuals affected with NAGS-related conditions. Algorithms developed to predict the effect of missense changes on protein structure and function output the following: SIFT: "Tolerated"; PolyPhen-2: "Benign"; Align-GVGD: "Class C0". The leucine amino acid residue is found in multiple mammalian species, which suggests that this missense change does not adversely affect protein function. In summary, the available evidence is currently insufficient to determine the role of this variant in disease. Therefore, it has been classified as a Variant of Uncertain Significance.

NM_153006.3(NAGS):c.205G>C (p.Val69Leu)

Gene: NAGS (N-acetylglutamate synthase; plus strand). Cytogenetic location: 17q21.31.
Variant type: single nucleotide variant.
Coding change: c.205G>C on transcript NM_153006.3 (MANE Select); coding-DNA position 205, G replaced by C.
Protein change: p.Val69Leu; replaces valine 69 with leucine.
Molecular consequence: missense variant.
Genome position (GRCh38, 1-based): chr17:44,004,868, G>C. VCF-style: chr17-44004868-G-C. GRCh37 (hg19) VCF-style: chr17-42082236-G-C.
Other names: short protein forms V69L.
Identifiers: ClinVar variation 2035668 (VCV002035668.1), dbSNP rs2509277533, ClinGen allele CA399737109.